The following is an entry in ClinVar:

NM_001267550.2(TTN):c.106931A>G (p.Glu35644Gly)

Genes: TTN-AS1 (TTN antisense RNA 1; plus strand), TTN (titin; minus strand). Cytogenetic location: 2q31.2.
Variant type: single nucleotide variant.
Coding change: c.106931A>G on transcript NM_001267550.2 (MANE Select); coding-DNA position 106931, A replaced by G.
Protein change: p.Glu35644Gly; replaces glutamic acid 35644 with glycine.
Molecular consequence: missense variant.
Genome position (GRCh38, 1-based): chr2:178,528,820, T>C on the plus strand (A>G on the coding strand, the complement: TTN is on the minus strand). VCF-style: chr2-178528820-T-C. GRCh37 (hg19) VCF-style: chr2-179393547-T-C.
Other names: c.102008A>G, p.Glu34003Gly (NM_001256850.1); c.79736A>G, p.Glu26579Gly (NM_003319.4); c.99227A>G, p.Glu33076Gly (NM_133378.4); c.80111A>G, p.Glu26704Gly (NM_133432.3); c.80312A>G, p.Glu26771Gly (NM_133437.4); short protein forms E26579G, E26704G, E26771G, E33076G, E34003G, E35644G.
Identifiers: ClinVar variation 3753287 (VCV003753287.2).

ClinVar aggregate classification (germline): Uncertain significance (1 of 4 stars; one submission).

Conditions:
Autosomal recessive limb-girdle muscular dystrophy type 2J (LGMDR10). Also called: Limb-girdle muscular dystrophy, type 2J; MUSCULAR DYSTROPHY, LIMB-GIRDLE, AUTOSOMAL RECESSIVE 10. Identifiers: Orphanet 140922, MedGen C1837342, MONDO:0012127, OMIM 608807.
Dilated cardiomyopathy 1G (CMD1G). Identifiers: Orphanet 154, MedGen C1858763, MONDO:0011400, OMIM 604145.

Submission:

Labcorp Genetics (formerly Invitae), Labcorp
Classification: Uncertain significance for Dilated cardiomyopathy 1G; Autosomal recessive limb-girdle muscular dystrophy type 2J. Last evaluated: 2024-06-11. Review status: criteria provided, single submitter. Criteria: Invitae Variant Classification Sherloc (09022015). Collection method: clinical testing. Allele origin: germline.
Comment: This sequence change replaces glutamic acid, which is acidic and polar, with glycine, which is neutral and non-polar, at codon 35644 of the TTN protein (p.Glu35644Gly). This variant is not present in population databases (gnomAD no frequency). This variant has not been reported in the literature in individuals affected with TTN-related conditions. Experimental studies and prediction algorithms are not available or were not evaluated, and the functional significance of this variant is currently unknown. This variant is located in the M band of TTN (PMID: 25589632). Non-truncating variants in this region may be relevant for neuromuscular disorders, but have not been definitively shown to cause cardiomyopathy (PMID: 23975875). In summary, the available evidence is currently insufficient to determine the role of this variant in disease. Therefore, it has been classified as a Variant of Uncertain Significance.

Literature cited by the submitters: PubMed 25589632; PubMed 23975875.